The following is an entry in ClinVar:

ClinVar aggregate classification (germline): Uncertain significance (1 of 4 stars; one submission).

gnomAD v4.1: 33 of 1,613,580 alleles (0.002%); highest among the groups gnomAD compares: East Asian, 0.02%; no homozygotes.

Submission:

Labcorp Genetics (formerly Invitae), Labcorp
Classification: Uncertain significance. Last evaluated: 2025-06-15. Review status: criteria provided, single submitter. Criteria: Invitae Variant Classification Sherloc (09022015). Collection method: clinical testing. Allele origin: germline.
Comment: This sequence change replaces arginine, which is basic and polar, with histidine, which is basic and polar, at codon 95 of the ERBB4 protein (p.Arg95His). This variant is present in population databases (rs778048381, gnomAD 0.04%). This missense change has been observed in individual(s) with amyotrophic lateral sclerosis (PMID: 32166880, 35481267). Invitae Evidence Modeling of protein sequence and biophysical properties (such as structural, functional, and spatial information, amino acid conservation, physicochemical variation, residue mobility, and thermodynamic stability) indicates that this missense variant is not expected to disrupt ERBB4 protein function with a negative predictive value of 80%. In summary, the available evidence is currently insufficient to determine the role of this variant in disease. Therefore, it has been classified as a Variant of Uncertain Significance.

Literature cited by the submitters: PubMed 32166880; PubMed 35481267.

NM_005235.3(ERBB4):c.284G>A (p.Arg95His)

Gene: ERBB4 (erb-b2 receptor tyrosine kinase 4; minus strand). Cytogenetic location: 2q34.
Variant type: single nucleotide variant.
Coding change: c.284G>A on transcript NM_005235.3 (MANE Select); coding-DNA position 284, G replaced by A.
Protein change: p.Arg95His; replaces arginine 95 with histidine.
Molecular consequence: missense variant.
Genome position (GRCh38, 1-based): chr2:211,947,567, C>T on the plus strand (G>A on the coding strand, the complement: ERBB4 is on the minus strand). VCF-style: chr2-211947567-C-T. GRCh37 (hg19) VCF-style: chr2-212812292-C-T.
Other names: c.284G>A, p.Arg95His (NM_001042599.2, NM_001439005.1, NM_001439006.1); short protein forms R95H.
Identifiers: ClinVar variation 4709240 (VCV004709240.1).
Genomic context (GRCh38, chr2:211,947,567, plus strand): 5'-TATCGATCCTCATAAAGTTTTGTCCCACGAATAATGCGTAAATTCTCCAGAGGCAGGTAA[C>T]GAAACTGATTAAGAGCCACTAACACGTAGCCTGTGACTTCTCGAACAGACTGAAAAGACA-3'
Protein context (NP_005226.1, residues 85-105): GYVLVALNQF[Arg95His]YLPLENLRII